The following is an entry in ClinVar:

NM_016122.3(CEP83):c.263T>C (p.Leu88Pro)

Gene: CEP83 (centrosomal protein 83; minus strand). Cytogenetic location: 12q22.
Variant type: single nucleotide variant.
Coding change: c.263T>C on transcript NM_016122.3 (MANE Select); coding-DNA position 263, T replaced by C.
Protein change: p.Leu88Pro; replaces leucine 88 with proline.
Molecular consequence: missense variant. On other transcripts: 5 prime UTR variant (6), non-coding transcript variant (3).
Genome position (GRCh38, 1-based): chr12:94,411,758, A>G on the plus strand (T>C on the coding strand, the complement: CEP83 is on the minus strand). VCF-style: chr12-94411758-A-G. GRCh37 (hg19) VCF-style: chr12-94805534-A-G.
Other names: c.263T>C, p.Leu88Pro (NM_001042399.2, NM_001346457.2, NM_001346460.2 and 4 more transcripts); c.-50T>C (NM_001346458.2, NM_001346459.2, NM_001346462.2 and 3 more transcripts); short protein forms L88P.
Identifiers: ClinVar variation 1007619 (VCV001007619.7), dbSNP rs2063896707, ClinGen allele CA386143975.

ClinVar aggregate classification (germline): Uncertain significance (1 of 4 stars; one submission).

Conditions:
Nephronophthisis 18 (NPHP18). Identifiers: Orphanet 655, MedGen C3890591, MONDO:0014374, OMIM 615862.

Allele frequency attached by ClinVar (database versions not stated): gnomAD exomes below 0.00001; gnomAD 0.00001.
gnomAD v4.1: 5 of 1,611,856 alleles (0.00031%); highest among the groups gnomAD compares: African/African-American, 0.0013%; no homozygotes.

Submission:

Labcorp Genetics (formerly Invitae), Labcorp
Classification: Uncertain significance for Nephronophthisis 18. Last evaluated: 2020-08-25. Review status: criteria provided, single submitter. Criteria: Invitae Variant Classification Sherloc (09022015). Collection method: clinical testing. Allele origin: germline.
Comment: In summary, the available evidence is currently insufficient to determine the role of this variant in disease. Therefore, it has been classified as a Variant of Uncertain Significance. Algorithms developed to predict the effect of missense changes on protein structure and function are either unavailable or do not agree on the potential impact of this missense change (SIFT: "Not Available"; PolyPhen-2: "Probably Damaging"; Align-GVGD: "Not Available"). This variant has not been reported in the literature in individuals with CEP83-related conditions. This variant is not present in population databases (ExAC no frequency). This sequence change replaces leucine with proline at codon 88 of the CEP83 protein (p.Leu88Pro). The leucine residue is highly conserved and there is a moderate physicochemical difference between leucine and proline.